The following is an entry in ClinVar:

ClinVar aggregate classification (germline): Likely benign. Review status: criteria provided, single submitter (1 of 4 stars). 2 submissions from 2 submitters: Likely benign (1). 1 of the submissions does not count toward it. Last evaluated 2022-09-13.

Conditions:
CACNA2D4-related disorder. Also called: CACNA2D4-related condition.

Allele frequency attached by ClinVar (database versions not stated): gnomAD exomes below 0.00001.
gnomAD v4.1: 4 of 1,609,622 alleles (0.00025%); highest among the groups gnomAD compares: African/African-American, 0.0013%; no homozygotes.

Submissions (2):

Labcorp Genetics (formerly Invitae), Labcorp
Classification: Likely benign. Last evaluated: 2022-09-13. Review status: criteria provided, single submitter. Criteria: Invitae Variant Classification Sherloc (09022015). Collection method: clinical testing. Allele origin: germline.

PreventionGenetics, part of Exact Sciences
Classification: Likely benign for CACNA2D4-related condition. Last evaluated: 2019-06-12. Review status: no assertion criteria provided. Collection method: clinical testing. Allele origin: germline. Not counted in ClinVar's aggregate classification.
Comment: This variant is classified as likely benign based on ACMG/AMP sequence variant interpretation guidelines (Richards et al. 2015 PMID: 25741868, with internal and published modifications).

NM_172364.5(CACNA2D4):c.1940+10A>C

Gene: CACNA2D4 (calcium voltage-gated channel auxiliary subunit alpha2delta 4; minus strand). Cytogenetic location: 12p13.33.
Variant type: single nucleotide variant.
Coding change: c.1940+10A>C on transcript NM_172364.5 (MANE Select); 10 bases into the intron after coding-DNA position 1940, A replaced by C.
Molecular consequence: intron variant.
Genome position (GRCh38, 1-based): chr12:1,860,135, T>G on the plus strand (A>C on the coding strand, the complement: CACNA2D4 is on the minus strand). VCF-style: chr12-1860135-T-G. GRCh37 (hg19) VCF-style: chr12-1969301-T-G.
Other names: c.1940+10A>C (NM_172364.4).
Identifiers: ClinVar variation 1153822 (VCV001153822.11), dbSNP rs1467198397, ClinGen allele CA477859642.